The following is an entry in ClinVar:

NM_182916.3(TRNT1):c.33_46del (p.Leu13fs)

Gene: TRNT1 (tRNA nucleotidyl transferase 1; plus strand). Cytogenetic location: 3p26.2.
Variant type: Deletion.
Coding change: c.33_46del on transcript NM_182916.3 (MANE Select); coding-DNA positions 33 to 46, 14 bases deleted (AGTGCTGAACCGTA).
Protein change: p.Leu13fs; shifts the reading frame from leucine 13.
Molecular consequence: frameshift variant. On other transcripts: non-coding transcript variant (11).
Genome position (GRCh38, 1-based): chr3:3,129,073-3,129,086, AGTGCTGAACCGTA deleted. VCF-style (leftmost placement, unchanged base first): chr3-3129072-CAGTGCTGAACCGTA-C. GRCh37 (hg19) VCF-style: chr3-3170756-CAGTGCTGAACCGTA-C.
Other names: c.33_46del, p.Leu13fs (NM_001302946.2, NM_001367321.1, NM_001367322.1 and 1 more transcripts); short protein forms L13fs.
Identifiers: ClinVar variation 1068618 (VCV001068618.6), dbSNP rs763685455, ClinGen allele CA2228494.

ClinVar aggregate classification (germline): Pathogenic. Review status: criteria provided, single submitter (1 of 4 stars). 2 submissions from 2 submitters: Pathogenic (1). 1 of the submissions does not count toward it. Last evaluated 2025-10-11.

Conditions:
Retinal dystrophy. Also called: Inherited retinal dystrophy. Identifiers: Orphanet 71862, MedGen C0854723, MeSH D058499, MONDO:0019118, HP:0000556.
Congenital sideroblastic anemia-B-cell immunodeficiency-periodic fever-developmental delay syndrome. Also called: Sideroblastic anemia with B-cell immunodeficiency, periodic fevers, and developmental delay. Identifiers: Orphanet 369861, MedGen C4015172, MONDO:0014487, OMIM 616084.

Allele frequency attached by ClinVar (database versions not stated): gnomAD 0.00001; gnomAD exomes 0.00002 and 0.00006; TOPMed 0.00002; ExAC 0.00003.

Submissions (2):

Labcorp Genetics (formerly Invitae), Labcorp
Classification: Pathogenic for Congenital sideroblastic anemia-B-cell immunodeficiency-periodic fever-developmental delay syndrome. Last evaluated: 2025-10-11. Review status: criteria provided, single submitter. Criteria: Invitae Variant Classification Sherloc (09022015). Collection method: clinical testing. Allele origin: germline.
Comment: This sequence change creates a premature translational stop signal (p.Leu13Glufs*2) in the TRNT1 gene. It is expected to result in an absent or disrupted protein product. Loss-of-function variants in TRNT1 are known to be pathogenic (PMID: 25193871). This variant is present in population databases (rs763685455, gnomAD 0.004%). This variant has not been reported in the literature in individuals affected with TRNT1-related conditions. ClinVar contains an entry for this variant (Variation ID: 1068618). For these reasons, this variant has been classified as Pathogenic.

Institute of Human Genetics, Univ. Regensburg, Univ. Regensburg
Classification: Pathogenic for Retinal dystrophy. Last evaluated: 2019-01-01. Review status: no assertion criteria provided. Criteria: ACMG Guidelines, 2015. Collection method: clinical testing. Allele origin: germline. Affected: yes. Not counted in ClinVar's aggregate classification.

Literature cited by the submitters: PubMed 25193871 (cited by Labcorp Genetics (formerly Invitae), Labcorp).